The following is an entry in ClinVar:

ClinVar aggregate classification (germline): Uncertain significance. Review status: criteria provided, multiple submitters, no conflicts (2 of 4 stars). 3 submissions from 3 submitters: Uncertain significance (3). Last evaluated 2025-03-18.

Allele frequency attached by ClinVar (database versions not stated): gnomAD exomes 0.00001; TOPMed 0.00002.
gnomAD v4.1: 11 of 1,614,154 alleles (0.00068%); highest among the groups gnomAD compares: East Asian, 0.0022%; no homozygotes.

Submissions (3):

Labcorp Genetics (formerly Invitae), Labcorp
Classification: Uncertain significance. Last evaluated: 2025-03-18. Review status: criteria provided, single submitter. Criteria: Invitae Variant Classification Sherloc (09022015). Collection method: clinical testing. Allele origin: germline.
Comment: This sequence change replaces isoleucine, which is neutral and non-polar, with methionine, which is neutral and non-polar, at codon 448 of the ABCC2 protein (p.Ile448Met). This variant is present in population databases (rs370095941, gnomAD 0.006%). This missense change has been observed in individual(s) with ABCC2-related conditions (PMID: 30366773). ClinVar contains an entry for this variant (Variation ID: 290861). Invitae Evidence Modeling of protein sequence and biophysical properties (such as structural, functional, and spatial information, amino acid conservation, physicochemical variation, residue mobility, and thermodynamic stability) indicates that this missense variant is not expected to disrupt ABCC2 protein function with a negative predictive value of 80%. In summary, the available evidence is currently insufficient to determine the role of this variant in disease. Therefore, it has been classified as a Variant of Uncertain Significance.

Blueprint Genetics
Classification: Uncertain significance. Last evaluated: 2024-08-27. Review status: criteria provided, single submitter. Criteria: ACMG Guidelines, 2015. Collection method: clinical testing. Allele origin: germline.

Eurofins Ntd Llc (ga)
Classification: Uncertain significance. Last evaluated: 2018-06-18. Review status: criteria provided, single submitter. Criteria: EGL ClinVar v180209 classification definitions. Collection method: clinical testing. Allele origin: germline. Observed: 5 variant alleles, 5 heterozygotes.

Literature cited by the submitters: PubMed 30366773 (cited by Labcorp Genetics (formerly Invitae), Labcorp).

NM_000392.5(ABCC2):c.1344T>G (p.Ile448Met)

Gene: ABCC2 (ATP binding cassette subfamily C member 2; plus strand). Cytogenetic location: 10q24.2.
Variant type: single nucleotide variant.
Coding change: c.1344T>G on transcript NM_000392.5 (MANE Select); coding-DNA position 1344, T replaced by G.
Protein change: p.Ile448Met; replaces isoleucine 448 with methionine.
Molecular consequence: missense variant.
Genome position (GRCh38, 1-based): chr10:99,804,153, T>G. VCF-style: chr10-99804153-T-G. GRCh37 (hg19) VCF-style: chr10-101563910-T-G.
Other names: c.1344T>G, p.Ile448Met (LRG_1208t1); short protein forms I448M.
Identifiers: ClinVar variation 290861 (VCV000290861.8), dbSNP rs370095941, ClinGen allele CA10606925.